The following is an entry in ClinVar:

NM_013275.6(ANKRD11):c.4217A>T (p.Tyr1406Phe)

Gene: ANKRD11 (ankyrin repeat domain 11; minus strand). Cytogenetic location: 16q24.3.
Variant type: single nucleotide variant.
Coding change: c.4217A>T on transcript NM_013275.6 (MANE Select); coding-DNA position 4217, A replaced by T.
Protein change: p.Tyr1406Phe; replaces tyrosine 1406 with phenylalanine.
Molecular consequence: missense variant.
Genome position (GRCh38, 1-based): chr16:89,282,325, T>A on the plus strand (A>T on the coding strand, the complement: ANKRD11 is on the minus strand). VCF-style: chr16-89282325-T-A. GRCh37 (hg19) VCF-style: chr16-89348733-T-A.
Other names: c.4217A>T, p.Tyr1406Phe (NM_001256182.2, NM_001256183.2); c.4217A>T (NM_013275.4); short protein forms Y1406F.
Identifiers: ClinVar variation 1342414 (VCV001342414.3), dbSNP rs943784682, ClinGen allele CA286516219.
Genomic context (GRCh38, chr16:89,282,325, plus strand): 5'-TCGGTAGAAAACAATTCAATGGTTTTATCTAGCTCATCTTCTATGTCAGCTTTCATGTTG[T>A]AAGAAACTCCGTAAGCATCCGCCTCCAGGAAGTCCTTTTCGTACTGGCCGGAGTCCTTCC-3'
Protein context (NP_037407.4, residues 1396-1416): FLEADAYGVS[Tyr1406Phe]NMKADIEDEL

ClinVar aggregate classification (germline): Conflicting classifications of pathogenicity. Review status: criteria provided, conflicting classifications (1 of 4 stars). 3 submissions from 3 submitters: Uncertain significance (2); Likely benign (1). Last evaluated 2025-05-17.

Conditions:
Inborn genetic diseases. Identifiers: MedGen C0950123, MeSH D030342.
KBG syndrome (KBGS). Also called: ANKRD11-Related KBG Syndrome. Identifiers: Orphanet 2332, MedGen C0220687, MONDO:0007846, OMIM 148050.

Allele frequency attached by ClinVar (database versions not stated): gnomAD exomes below 0.00001; gnomAD 0.00001; TOPMed 0.00002.
gnomAD v4.1: 4 of 1,614,096 alleles (0.00025%); highest among the groups gnomAD compares: Admixed American, 0.0033%; no homozygotes.

Submissions (3):

Labcorp Genetics (formerly Invitae), Labcorp
Classification: Uncertain significance for KBG syndrome. Last evaluated: 2025-05-17. Review status: criteria provided, single submitter. Criteria: Invitae Variant Classification Sherloc (09022015). Collection method: clinical testing. Allele origin: germline.
Comment: This sequence change replaces tyrosine, which is neutral and polar, with phenylalanine, which is neutral and non-polar, at codon 1406 of the ANKRD11 protein (p.Tyr1406Phe). This variant is not present in population databases (gnomAD no frequency). This variant has not been reported in the literature in individuals affected with ANKRD11-related conditions. ClinVar contains an entry for this variant (Variation ID: 1342414). Invitae Evidence Modeling of protein sequence and biophysical properties (such as structural, functional, and spatial information, amino acid conservation, physicochemical variation, residue mobility, and thermodynamic stability) indicates that this missense variant is not expected to disrupt ANKRD11 protein function with a negative predictive value of 95%. In summary, the available evidence is currently insufficient to determine the role of this variant in disease. Therefore, it has been classified as a Variant of Uncertain Significance.

Ambry Genetics
Classification: Likely benign for Inborn genetic diseases. Last evaluated: 2025-01-03. Review status: criteria provided, single submitter. Criteria: Ambry Variant Classification Scheme 2023. Collection method: clinical testing. Allele origin: germline.

New York Genome Center
Classification: Uncertain significance for KBG syndrome. Last evaluated: 2021-03-05. Review status: criteria provided, single submitter. Criteria: NYGC Assertion Criteria 2020. Collection method: clinical testing. Allele origin: inherited. Observed: 1 heterozygote. Study: CSER-NYCKidSeq.